The following is an entry in ClinVar:

NM_182641.4(BPTF):c.8670del (p.Cys2890fs)

Gene: BPTF (bromodomain PHD finger transcription factor; plus strand). Cytogenetic location: 17q24.2.
Variant type: Deletion.
Coding change: c.8670del on transcript NM_182641.4 (MANE Select); coding-DNA position 8670, one base deleted (T; older notation c.8670delT).
Protein change: p.Cys2890fs; shifts the reading frame from cysteine 2890.
Molecular consequence: frameshift variant.
Genome position (GRCh38, 1-based): chr17:67,975,902, T deleted. VCF-style (leftmost placement, unchanged base first): chr17-67975901-GT-G. GRCh37 (hg19) VCF-style: chr17-65972017-GT-G.
Other names: c.8619del, p.Cys2873fs (NM_004459.7); short protein forms C2873fs, C2890fs.
Identifiers: ClinVar variation 1701329 (VCV001701329.31), dbSNP rs2148606524, ClinGen allele CA2580095010.

ClinVar aggregate classification (germline): Likely pathogenic (1 of 4 stars; one submission).

Submission:

CeGaT Center for Human Genetics Tuebingen
Classification: Likely pathogenic. Last evaluated: 2022-06-01. Review status: criteria provided, single submitter. Criteria: CeGaT Center For Human Genetics Tuebingen Variant Classification Criteria Version 2. Collection method: clinical testing. Allele origin: germline. Affected: yes. Observed: 1 variant allele.
Comment: BPTF: PM2, PS2:Moderate, PVS1:Moderate